The following is an entry in ClinVar:

NM_005529.7(HSPG2):c.10905C>T (p.Asp3635=)

Gene: HSPG2 (heparan sulfate proteoglycan 2; minus strand). Cytogenetic location: 1p36.12.
Variant type: single nucleotide variant.
Coding change: c.10905C>T on transcript NM_005529.7 (MANE Select); coding-DNA position 10905, C replaced by T.
Protein change: p.Asp3635=; no amino-acid change (aspartic acid 3635 retained).
Molecular consequence: synonymous variant.
Genome position (GRCh38, 1-based): chr1:21,833,540, G>A on the plus strand (C>T on the coding strand, the complement: HSPG2 is on the minus strand). VCF-style: chr1-21833540-G-A. GRCh37 (hg19) VCF-style: chr1-22160033-G-A.
Other names: c.10908C>T, p.Asp3636= (NM_001291860.2).
Identifiers: ClinVar variation 746286 (VCV000746286.11), dbSNP rs776932601, ClinGen allele CA669985.

ClinVar aggregate classification (germline): Likely benign. Review status: criteria provided, multiple submitters, no conflicts (2 of 4 stars). 3 submissions from 3 submitters: Likely benign (3). Last evaluated 2026-09-01.

Allele frequency attached by ClinVar (database versions not stated): gnomAD exomes 0.00012 and 0.00011; gnomAD 0.00005; TOPMed 0.00007; ExAC 0.00012.
gnomAD v4.1: 174 of 1,614,060 alleles (0.011%); highest among the groups gnomAD compares: Non-Finnish European, 0.012%; no homozygotes.

Submissions (3):

CeGaT Center for Human Genetics Tuebingen
Classification: Likely benign. Last evaluated: 2026-09-01. Review status: criteria provided, single submitter. Criteria: CeGaT Center For Human Genetics Tuebingen Variant Classification Criteria Version 2. Collection method: clinical testing. Allele origin: germline. Affected: yes. Observed: 1 variant allele.
Comment: HSPG2: BP4, BP7

Labcorp Genetics (formerly Invitae), Labcorp
Classification: Likely benign. Last evaluated: 2024-07-25. Review status: criteria provided, single submitter. Criteria: Invitae Variant Classification Sherloc (09022015). Collection method: clinical testing. Allele origin: germline.

Athena Diagnostics
Classification: Likely benign. Last evaluated: 2019-12-13. Review status: criteria provided, single submitter. Criteria: Athena Diagnostics Criteria. Collection method: clinical testing. Allele origin: unknown.